The following is an entry in ClinVar:

ClinVar aggregate classification (germline): Pathogenic (1 of 4 stars; one submission).

Conditions:
Hereditary breast ovarian cancer syndrome. Also called: Hereditary breast and ovarian cancer; Breast and ovarian cancer; BRCA1- and BRCA2-Associated Hereditary Breast and Ovarian Cancer; Hereditary breast and/or ovarian cancer syndrome; Hereditary breast and ovarian cancer syndrome; Hereditary breast and ovarian cancer syndrome (HBOC). Identifiers: Orphanet 145, MedGen C0677776, MeSH D061325, MONDO:0003582. Disease mechanism: loss of function.

Submission:

Labcorp Genetics (formerly Invitae), Labcorp
Classification: Pathogenic for Hereditary breast ovarian cancer syndrome. Last evaluated: 2022-08-16. Review status: criteria provided, single submitter. Criteria: Invitae Variant Classification Sherloc (09022015). Collection method: clinical testing. Allele origin: germline.
Comment: For these reasons, this variant has been classified as Pathogenic. ClinVar contains an entry for this variant (Variation ID: 1457027). This variant has not been reported in the literature in individuals affected with BRCA1-related conditions. This variant is not present in population databases (gnomAD no frequency). This sequence change creates a premature translational stop signal (p.Glu1046Asnfs*5) in the BRCA1 gene. It is expected to result in an absent or disrupted protein product. Loss-of-function variants in BRCA1 are known to be pathogenic (PMID: 20104584).

Literature cited by the submitters: PubMed 20104584.

NM_007294.4(BRCA1):c.3135_3136insAACTACTG (p.Glu1046fs)

Gene: BRCA1 (BRCA1 DNA repair associated; minus strand). Cytogenetic location: 17q21.31.
Variant type: Insertion.
Coding change: c.3135_3136insAACTACTG on transcript NM_007294.4 (MANE Select); coding-DNA positions 3135 to 3136, AACTACTG inserted.
Protein change: p.Glu1046fs; shifts the reading frame from glutamic acid 1046.
Molecular consequence: frameshift variant. On other transcripts: intron variant (137).
Genome position: GRCh38 VCF-style: chr17-43092395-C-CCAGTAGTT. GRCh37 (hg19) VCF-style: chr17-41244412-C-CCAGTAGTT.
Other names: c.2922_2923insAACTACTG, p.Glu975fs (NM_001407898.1, NM_001407899.1, NM_001407915.1 and 9 more transcripts); c.2925_2926insAACTACTG, p.Glu976fs (NM_001407900.1, NM_001407902.1, NM_001407904.1 and 13 more transcripts); c.3012_3013insAACTACTG, p.Glu1005fs (NM_001407919.1, NM_001407937.1, NM_001407938.1 and 19 more transcripts); c.2871_2872insAACTACTG, p.Glu958fs (NM_001407920.1, NM_001407921.1, NM_001407922.1 and 9 more transcripts); c.2868_2869insAACTACTG, p.Glu957fs (NM_001407930.1, NM_001407931.1, NM_001407932.1 and 2 more transcripts); c.3009_3010insAACTACTG, p.Glu1004fs (NM_001407940.1, NM_001407941.1, NM_001407649.1 and 11 more transcripts); c.2994_2995insAACTACTG, p.Glu999fs (NM_001407942.1, NM_001407944.1, NM_001407945.1 and 29 more transcripts); c.2991_2992insAACTACTG, p.Glu998fs (NM_001407943.1, NM_001407964.1, NM_001407740.1 and 20 more transcripts); and 41 more; short protein forms E999fs, E1046fs, E1043fs, E750fs, E919fs, E958fs, E1005fs, E1045fs.
Identifiers: ClinVar variation 1457027 (VCV001457027.7), dbSNP rs2154340752, ClinGen allele CA2573154089.